The following is an entry in ClinVar:

ClinVar aggregate classification (germline): Benign/Likely benign. Review status: criteria provided, multiple submitters, no conflicts (2 of 4 stars). 5 submissions from 5 submitters: Benign (1); Likely benign (3). 1 of the submissions does not count toward it. Last evaluated 2026-01-27.

Conditions:
Dystrophin deficiency.
Cardiomyopathy (CMYO). Also called: Cardiomyopathies. Identifiers: Orphanet 167848, MedGen C0878544, MONDO:0004994, HP:0001638. Inheritance: Various modes of inheritance.
Becker muscular dystrophy (BMD). Also called: Becker Muscular Dystrophy (BMD); MUSCULAR DYSTROPHY, PSEUDOHYPERTROPHIC PROGRESSIVE, BECKER TYPE. Identifiers: Orphanet 98895, MedGen C0917713, MONDO:0010311, OMIM 300376.
Duchenne muscular dystrophy (DMD). Also called: MUSCULAR DYSTROPHY, PSEUDOHYPERTROPHIC PROGRESSIVE, DUCHENNE TYPE; Duchenne Muscular Dystrophy (DMD). Identifiers: Orphanet 98896, MedGen C0013264, MONDO:0010679, OMIM 310200.
Cardiovascular phenotype. Identifiers: MedGen CN230736.

Allele frequency attached by ClinVar (database versions not stated): TOPMed 0.00001; ExAC 0.00003.
gnomAD v4.1: 32 of 1,207,019 alleles (0.0027%); highest among the groups gnomAD compares: Middle Eastern, 0.092%; no homozygotes.

Submissions (5):

Labcorp Genetics (formerly Invitae), Labcorp
Classification: Benign for Duchenne muscular dystrophy. Last evaluated: 2026-01-27. Review status: criteria provided, single submitter. Criteria: Invitae Variant Classification Sherloc (09022015). Collection method: clinical testing. Allele origin: germline.

CeGaT Center for Human Genetics Tuebingen
Classification: Likely benign. Last evaluated: 2025-10-01. Review status: criteria provided, single submitter. Criteria: CeGaT Center For Human Genetics Tuebingen Variant Classification Criteria Version 2. Collection method: clinical testing. Allele origin: germline. Affected: yes. Observed: 1 variant allele.
Comment: DMD: BP4, BP7, BS2

Blueprint Genetics
Classification: Likely benign. Last evaluated: 2024-10-08. Review status: criteria provided, single submitter. Criteria: ACMG Guidelines, 2015. Collection method: clinical testing. Allele origin: germline.

Ambry Genetics
Classification: Likely benign for Cardiovascular phenotype. Last evaluated: 2018-10-31. Review status: criteria provided, single submitter. Criteria: Ambry Variant Classification Scheme 2023. Collection method: clinical testing. Allele origin: germline.

Natera, Inc.
Classification: Likely benign for Becker muscular dystrophy; Cardiomyopathy; Duchenne muscular dystrophy; Dystrophin deficiency. Last evaluated: 2019-06-27. Review status: no assertion criteria provided. Collection method: clinical testing. Allele origin: germline. Not counted in ClinVar's aggregate classification.

NM_004006.3(DMD):c.333T>C (p.Ile111=)

Gene: DMD (dystrophin; minus strand). Cytogenetic location: Xp21.1.
Variant type: single nucleotide variant.
Coding change: c.333T>C on transcript NM_004006.3 (MANE Select); coding-DNA position 333, T replaced by C.
Protein change: p.Ile111=; no amino-acid change (isoleucine 111 retained).
Molecular consequence: synonymous variant. On other transcripts: 5 prime UTR variant (1).
Genome position (GRCh38, 1-based): chrX:32,823,319, A>G on the plus strand (T>C on the coding strand, the complement: DMD is on the minus strand). VCF-style: chrX-32823319-A-G. GRCh37 (hg19) VCF-style: chrX-32841436-A-G.
Other names: c.309T>C, p.Ile103= (NM_000109.4); c.321T>C, p.Ile107= (NM_004009.3); c.-37T>C (NM_004010.3).
Identifiers: ClinVar variation 526114 (VCV000526114.22), dbSNP rs138909301, ClinGen allele CA10380187.